The following is an entry in ClinVar:

ClinVar aggregate classification (germline): Uncertain significance (1 of 4 stars; one submission).

gnomAD v4.1: 2 of 1,600,154 alleles (0.00012%); highest among the groups gnomAD compares: Non-Finnish European, 0.00017%; no homozygotes.

Submission:

GeneDx
Classification: Uncertain significance. Last evaluated: 2024-06-10. Review status: criteria provided, single submitter. Criteria: GeneDx Variant Classification Process June 2021. Collection method: clinical testing. Allele origin: germline. Affected: yes.
Comment: Not observed at significant frequency in large population cohorts (gnomAD); In silico analysis indicates that this missense variant does not alter protein structure/function; Has not been previously published as pathogenic or benign to our knowledge

NM_017780.4(CHD7):c.2762G>A (p.Arg921Lys)

Gene: CHD7 (chromodomain helicase DNA binding protein 7; plus strand). Cytogenetic location: 8q12.2.
Variant type: single nucleotide variant.
Coding change: c.2762G>A on transcript NM_017780.4 (MANE Select); coding-DNA position 2762, G replaced by A.
Protein change: p.Arg921Lys; replaces arginine 921 with lysine.
Molecular consequence: missense variant. On other transcripts: intron variant (1).
Genome position (GRCh38, 1-based): chr8:60,821,854, G>A. VCF-style: chr8-60821854-G-A. GRCh37 (hg19) VCF-style: chr8-61734413-G-A.
Other names: c.1717-40375G>A (NM_001316690.1); short protein forms R921K.
Identifiers: ClinVar variation 3390762 (VCV003390762.1).